The following is an entry in ClinVar:

ClinVar aggregate classification (germline): Uncertain significance (1 of 4 stars; one submission).

Submission:

Ambry Genetics
Classification: Uncertain significance. Last evaluated: 2022-08-08. Review status: criteria provided, single submitter. Criteria: Ambry Variant Classification Scheme 2023. Collection method: clinical testing. Allele origin: germline.
Comment: The p.N1017H variant (also known as c.3049A>C), located in coding exon 1 of the MLH3 gene, results from an A to C substitution at nucleotide position 3049. The asparagine at codon 1017 is replaced by histidine, an amino acid with similar properties. This amino acid position is conserved. In addition, this alteration is predicted to be tolerated by in silico analysis. Since supporting evidence is limited at this time, the clinical significance of this alteration remains unclear.

NM_001040108.2(MLH3):c.3049A>C (p.Asn1017His)

Gene: MLH3 (mutL homolog 3; minus strand). Cytogenetic location: 14q24.3.
Variant type: single nucleotide variant.
Coding change: c.3049A>C on transcript NM_001040108.2 (MANE Select); coding-DNA position 3049, A replaced by C.
Protein change: p.Asn1017His; replaces asparagine 1017 with histidine.
Molecular consequence: missense variant.
Genome position (GRCh38, 1-based): chr14:75,046,607, T>G on the plus strand (A>C on the coding strand, the complement: MLH3 is on the minus strand). VCF-style: chr14-75046607-T-G. GRCh37 (hg19) VCF-style: chr14-75513310-T-G.
Other names: c.3049A>C, p.Asn1017His (NM_014381.3); short protein forms N1017H.
Identifiers: ClinVar variation 1799213 (VCV001799213.2), dbSNP rs2503255067, ClinGen allele CA390436744.